The following is an entry in ClinVar:

ClinVar aggregate classification (germline): Uncertain significance. Review status: criteria provided, multiple submitters, no conflicts (2 of 4 stars). 3 submissions from 3 submitters: Uncertain significance (3). Last evaluated 2025-08-12.

Conditions:
Hereditary cancer-predisposing syndrome. Also called: Neoplastic Syndromes, Hereditary; Tumor predisposition; Hereditary Cancer Syndrome; Hereditary neoplastic syndrome. Identifiers: Orphanet 140162, MedGen C0027672, MeSH D009386, MONDO:0015356.
BAP1-related tumor predisposition syndrome (TPDS1). Also called: Tumor susceptibility linked to germline BAP1 mutations; BAP1 tumor predisposition syndrome; COMMON Syndrome; TUMOR PREDISPOSITION SYNDROME 1. Identifiers: Orphanet 289539, MedGen C3280492, MONDO:0013692, OMIM 614327.

Allele frequency attached by ClinVar (database versions not stated): gnomAD exomes below 0.00001; gnomAD 0.00001.
gnomAD v4.1: 2 of 1,614,022 alleles (0.00012%); highest among the groups gnomAD compares: African/African-American, 0.0027%; no homozygotes.

Submissions (3):

Labcorp Genetics (formerly Invitae), Labcorp
Classification: Uncertain significance for BAP1-related tumor predisposition syndrome. Last evaluated: 2025-08-12. Review status: criteria provided, single submitter. Criteria: Invitae Variant Classification Sherloc (09022015). Collection method: clinical testing. Allele origin: germline.
Comment: This sequence change replaces histidine, which is basic and polar, with asparagine, which is neutral and polar, at codon 526 of the BAP1 protein (p.His526Asn). This variant is not present in population databases (gnomAD no frequency). This variant has not been reported in the literature in individuals affected with BAP1-related conditions. ClinVar contains an entry for this variant (Variation ID: 485302). Invitae Evidence Modeling of protein sequence and biophysical properties (such as structural, functional, and spatial information, amino acid conservation, physicochemical variation, residue mobility, and thermodynamic stability) indicates that this missense variant is not expected to disrupt BAP1 protein function with a negative predictive value of 80%. In summary, the available evidence is currently insufficient to determine the role of this variant in disease. Therefore, it has been classified as a Variant of Uncertain Significance.

Ambry Genetics
Classification: Uncertain significance for Hereditary cancer-predisposing syndrome. Last evaluated: 2025-05-07. Review status: criteria provided, single submitter. Criteria: Ambry Variant Classification Scheme 2023. Collection method: clinical testing. Allele origin: germline.
Comment: The p.H526N variant (also known as c.1576C>A), located in coding exon 13 of the BAP1 gene, results from a C to A substitution at nucleotide position 1576. The histidine at codon 526 is replaced by asparagine, an amino acid with similar properties. This amino acid position is highly conserved in available vertebrate species. In addition, this alteration is predicted to be tolerated by in silico analysis. Since supporting evidence is limited at this time, the clinical significance of this alteration remains unclear.

GeneDx
Classification: Uncertain significance. Last evaluated: 2025-04-20. Review status: criteria provided, single submitter. Criteria: GeneDx Variant Classification Process June 2021. Collection method: clinical testing. Allele origin: germline. Affected: yes.
Comment: Not observed at significant frequency in large population cohorts (gnomAD); In silico analysis indicates that this missense variant does not alter protein structure/function; Has not been previously published as pathogenic or benign to our knowledge

NM_004656.4(BAP1):c.1576C>A (p.His526Asn)

Gene: BAP1 (BRCA1 associated deubiquitinase 1; minus strand). Cytogenetic location: 3p21.1.
Variant type: single nucleotide variant.
Coding change: c.1576C>A on transcript NM_004656.4 (MANE Select); coding-DNA position 1576, C replaced by A.
Protein change: p.His526Asn; replaces histidine 526 with asparagine.
Molecular consequence: missense variant.
Genome position (GRCh38, 1-based): chr3:52,403,569, G>T on the plus strand (C>A on the coding strand, the complement: BAP1 is on the minus strand). VCF-style: chr3-52403569-G-T. GRCh37 (hg19) VCF-style: chr3-52437585-G-T.
Other names: c.1576C>A (LRG_529t1, NM_004656.3); short protein forms H526N.
Identifiers: ClinVar variation 485302 (VCV000485302.11), dbSNP rs1553644875, ClinGen allele CA353100608.